The following is an entry in ClinVar:

ClinVar aggregate classification (germline): Uncertain significance (1 of 4 stars; one submission).

gnomAD v4.1: 1 of 1,613,578 alleles (0.000062%); highest among the groups gnomAD compares: Non-Finnish European, 0.000085%; no homozygotes.

Submission:

Labcorp Genetics (formerly Invitae), Labcorp
Classification: Uncertain significance. Last evaluated: 2026-01-25. Review status: criteria provided, single submitter. Criteria: Invitae Variant Classification Sherloc (09022015). Collection method: clinical testing. Allele origin: germline.
Comment: This sequence change replaces proline, which is neutral and non-polar, with leucine, which is neutral and non-polar, at codon 642 of the ACO2 protein (p.Pro642Leu). The frequency data for this variant in the population databases is considered unreliable, as metrics indicate poor data quality at this position in the gnomAD database. This variant has not been reported in the literature in individuals affected with ACO2-related conditions. Invitae Evidence Modeling of protein sequence and biophysical properties (such as structural, functional, and spatial information, amino acid conservation, physicochemical variation, residue mobility, and thermodynamic stability) indicates that this missense variant is not expected to disrupt ACO2 protein function with a negative predictive value of 80%. In summary, the available evidence is currently insufficient to determine the role of this variant in disease. Therefore, it has been classified as a Variant of Uncertain Significance.

NM_001098.3(ACO2):c.1925C>T (p.Pro642Leu)

Genes: ACO2 (aconitase 2; plus strand), POLR3H (RNA polymerase III subunit H; minus strand). Cytogenetic location: 22q13.2.
Variant type: single nucleotide variant.
Coding change: c.1925C>T on transcript NM_001098.3 (MANE Select); coding-DNA position 1925, C replaced by T.
Protein change: p.Pro642Leu; replaces proline 642 with leucine.
Molecular consequence: missense variant. On other transcripts: 3 prime UTR variant (5).
Genome position (GRCh38, 1-based): chr22:41,526,425, C>T. VCF-style: chr22-41526425-C-T. GRCh37 (hg19) VCF-style: chr22-41922429-C-T.
Other names: c.*2858G>A (NM_001018050.4, NM_001018052.4, NM_001282884.2 and 2 more transcripts); short protein forms P642L.
Identifiers: ClinVar variation 4743227 (VCV004743227.1).